The following is an entry in ClinVar:

NC_000017.11:g.(?_7454277)_(7454540_?)del

Gene: CHRNB1 (cholinergic receptor nicotinic beta 1 subunit; plus strand). Cytogenetic location: 17p13.1.
Variant type: Deletion.
Identifiers: ClinVar variation 584314 (VCV000584314.2).

ClinVar aggregate classification (germline): Pathogenic (1 of 4 stars; one submission).

Conditions:
Congenital myasthenic syndrome 2A. Also called: Myasthenic syndrome, congenital, 2a, slow-channel. Identifiers: Orphanet 590, MedGen C4225374, MONDO:0014581, OMIM 616313.

Submission:

Labcorp Genetics (formerly Invitae), Labcorp
Classification: Pathogenic for Congenital myasthenic syndrome 2A. Last evaluated: 2022-10-25. Review status: criteria provided, single submitter. Criteria: Invitae Variant Classification Sherloc (09022015). Collection method: clinical testing. Allele origin: germline.
Comment: This variant is a gross deletion of the genomic region encompassing exon(s) 8 of the CHRNB1 gene. This deletion is out-of-frame, and is expected to create a premature termination codon and result in an absent or disrupted protein product. Loss-of-function variants in CHRNB1 are known to be pathogenic (PMID: 10562302). A similar copy number variant has been observed in individual(s) with autosomal recessive congenital myasthenic syndrome (PMID: 10562302). For these reasons, this variant has been classified as Pathogenic.

Literature cited by the submitters: PubMed 10562302.